The following is an entry in ClinVar:

NM_021927.3(GUF1):c.992C>T (p.Ala331Val)

Gene: GUF1 (GTP binding elongation factor GUF1; plus strand). Cytogenetic location: 4p12.
Variant type: single nucleotide variant.
Coding change: c.992C>T on transcript NM_021927.3 (MANE Select); coding-DNA position 992, C replaced by T.
Protein change: p.Ala331Val; replaces alanine 331 with valine.
Molecular consequence: missense variant.
Genome position (GRCh38, 1-based): chr4:44,688,060, C>T. VCF-style: chr4-44688060-C-T. GRCh37 (hg19) VCF-style: chr4-44690077-C-T.
Other names: c.992C>T (NM_021927.2); c.20C>T, p.Ala7Val (NM_001345867.2, NM_001345869.2); c.992C>T, p.Ala331Val (NM_001345868.2); short protein forms A331V, A7V.
Identifiers: ClinVar variation 1497233 (VCV001497233.9), dbSNP rs771678573, ClinGen allele CA2905499.

ClinVar aggregate classification (germline): Uncertain significance. Review status: criteria provided, multiple submitters, no conflicts (2 of 4 stars). 2 submissions from 2 submitters: Uncertain significance (2). Last evaluated 2025-01-20.

Allele frequency attached by ClinVar (database versions not stated): TOPMed below 0.00001; gnomAD exomes 0.00001; ExAC 0.00002.
gnomAD v4.1: 14 of 1,612,062 alleles (0.00087%); highest among the groups gnomAD compares: Admixed American, 0.0033%; no homozygotes.

Submissions (2):

Ambry Genetics
Classification: Uncertain significance. Last evaluated: 2025-01-20. Review status: criteria provided, single submitter. Criteria: Ambry Variant Classification Scheme 2023. Collection method: clinical testing. Allele origin: germline.

Labcorp Genetics (formerly Invitae), Labcorp
Classification: Uncertain significance. Last evaluated: 2023-11-10. Review status: criteria provided, single submitter. Criteria: Invitae Variant Classification Sherloc (09022015). Collection method: clinical testing. Allele origin: germline.
Comment: This sequence change replaces alanine, which is neutral and non-polar, with valine, which is neutral and non-polar, at codon 331 of the GUF1 protein (p.Ala331Val). This variant is present in population databases (rs771678573, gnomAD 0.003%). This variant has not been reported in the literature in individuals affected with GUF1-related conditions. ClinVar contains an entry for this variant (Variation ID: 1497233). Advanced modeling of protein sequence and biophysical properties (such as structural, functional, and spatial information, amino acid conservation, physicochemical variation, residue mobility, and thermodynamic stability) performed at Invitae indicates that this missense variant is not expected to disrupt GUF1 protein function with a negative predictive value of 80%. In summary, the available evidence is currently insufficient to determine the role of this variant in disease. Therefore, it has been classified as a Variant of Uncertain Significance.